The following is an entry in ClinVar:

ClinVar aggregate classification (germline): Uncertain significance. Review status: criteria provided, multiple submitters, no conflicts (2 of 4 stars). 2 submissions from 2 submitters: Uncertain significance (2). Last evaluated 2026-01-21.

Conditions:
Transcobalamin II deficiency (TCN2D). Also called: Transcolabamin II deficiency; TC II DEFICIENCY; TCN2 DEFICIENCY. Identifiers: Orphanet 859, MedGen C0342701, MONDO:0010149, OMIM 275350.
Inborn genetic diseases. Identifiers: MedGen C0950123, MeSH D030342.

Allele frequency attached by ClinVar (database versions not stated): TOPMed below 0.00001; gnomAD exomes 0.00002 and 0.00001; gnomAD 0.00001; ExAC 0.00002.
gnomAD v4.1: 12 of 1,614,050 alleles (0.00074%); highest among the groups gnomAD compares: South Asian, 0.0088%; no homozygotes.

Submissions (2):

Labcorp Genetics (formerly Invitae), Labcorp
Classification: Uncertain significance for Transcobalamin II deficiency. Last evaluated: 2026-01-21. Review status: criteria provided, single submitter. Criteria: Invitae Variant Classification Sherloc (09022015). Collection method: clinical testing. Allele origin: germline.
Comment: This sequence change replaces glycine, which is neutral and non-polar, with aspartic acid, which is acidic and polar, at codon 189 of the TCN2 protein (p.Gly189Asp). This variant is present in population databases (rs777945731, gnomAD 0.01%). This variant has not been reported in the literature in individuals affected with TCN2-related conditions. ClinVar contains an entry for this variant (Variation ID: 654327). Invitae Evidence Modeling of protein sequence and biophysical properties (such as structural, functional, and spatial information, amino acid conservation, physicochemical variation, residue mobility, and thermodynamic stability) indicates that this missense variant is not expected to disrupt TCN2 protein function with a negative predictive value of 80%. In summary, the available evidence is currently insufficient to determine the role of this variant in disease. Therefore, it has been classified as a Variant of Uncertain Significance.

Ambry Genetics
Classification: Uncertain significance for Inborn genetic diseases. Last evaluated: 2025-04-10. Review status: criteria provided, single submitter. Criteria: Ambry Variant Classification Scheme 2023. Collection method: clinical testing. Allele origin: germline.

NM_000355.4(TCN2):c.566G>A (p.Gly189Asp)

Gene: TCN2 (transcobalamin 2; plus strand). Cytogenetic location: 22q12.2.
Variant type: single nucleotide variant.
Coding change: c.566G>A on transcript NM_000355.4 (MANE Select); coding-DNA position 566, G replaced by A.
Protein change: p.Gly189Asp; replaces glycine 189 with aspartic acid.
Molecular consequence: missense variant.
Genome position (GRCh38, 1-based): chr22:30,614,487, G>A. VCF-style: chr22-30614487-G-A. GRCh37 (hg19) VCF-style: chr22-31010474-G-A.
Other names: c.485G>A, p.Gly162Asp (NM_001184726.2); short protein forms G189D, G162D.
Identifiers: ClinVar variation 654327 (VCV000654327.8), dbSNP rs777945731, ClinGen allele CA10184702.
Genomic context (GRCh38, chr22:30,614,487, plus strand): 5'-AGCGGGTCCATGACAGCGTGGTGGACAAACTTCTGTATGCTGTGGAACCTTTCCACCAGG[G>A]CCACCATTCTGTGGGTGAGTAGGTCAGACCGTGCCAAGGCCAGGCTGGCACTCCCTCAGT-3'
Protein context (NP_000346.2, residues 179-199): LLYAVEPFHQ[Gly189Asp]HHSVDTAAMA